The following is an entry in ClinVar:

ClinVar aggregate classification (germline): Uncertain significance. Review status: reviewed by expert panel (3 of 4 stars). 3 submissions from 3 submitters: Uncertain significance (1). 2 of the submissions do not count toward it. Last evaluated 2026-05-27.

Conditions:
Hereditary thrombocytopenia and hematological cancer predisposition syndrome associated with RUNX1. Also called: RUNX1 Familial Platelet Disorder with Associated Myeloid Malignancies; Familial Platelet Disorder with Propensity to Acute Myelogenous Leukemia; Familial thrombocytopenia with propensity to acute myelogenous leukemia; PLATELET DISORDER, ASPIRIN-LIKE. Identifiers: Orphanet 71290, MedGen C1832388, MeSH C563324, MONDO:0100083, OMIM 601399.
Inborn genetic diseases. Identifiers: MedGen C0950123, MeSH D030342.
Hereditary thrombocytopenia and hematologic cancer predisposition syndrome. Identifiers: Orphanet 71290, MedGen CN281654, MONDO:0011071.

Submissions (3):

ClinGen Myeloid Malignancy Variant Curation Expert Panel
Classification: Uncertain significance for Hereditary thrombocytopenia and hematologic cancer predisposition syndrome. Last evaluated: 2026-05-27. Review status: reviewed by expert panel. Criteria: ClinGen MyeloMalig ACMG Specifications V3.1. Collection method: curation. Allele origin: germline. Inheritance: Autosomal dominant inheritance.
Comment: NM_001754.5(RUNX1):c.1276C>A (p.Pro426Thr) is a missense variant which is completely absent from all population databases with at least 20x coverage for RUNX1 (PM2_Supporting) and has a REVEL score <0.50 (0.17)(BP4). In summary, the clinical significance of this variant is uncertain. ACMG/AMP criteria applied, as specified by the Myeloid Malignancy Variant Curation Expert Panel for RUNX1: PM2_Supporting, BP4.

Labcorp Genetics (formerly Invitae), Labcorp
Classification: Uncertain significance for Hereditary thrombocytopenia and hematological cancer predisposition syndrome associated with RUNX1. Last evaluated: 2025-10-23. Review status: criteria provided, single submitter. Criteria: Invitae Variant Classification Sherloc (09022015). Collection method: clinical testing. Allele origin: germline. Not counted in ClinVar's aggregate classification.
Comment: This sequence change replaces proline, which is neutral and non-polar, with threonine, which is neutral and polar, at codon 426 of the RUNX1 protein (p.Pro426Thr). This variant is not present in population databases (gnomAD no frequency). This variant has not been reported in the literature in individuals affected with RUNX1-related conditions. ClinVar contains an entry for this variant (Variation ID: 3948886). Invitae Evidence Modeling of protein sequence and biophysical properties (such as structural, functional, and spatial information, amino acid conservation, physicochemical variation, residue mobility, and thermodynamic stability) has been performed for this missense variant. However, the output from this modeling did not meet the statistical confidence thresholds required to predict the impact of this variant on RUNX1 protein function. In summary, the available evidence is currently insufficient to determine the role of this variant in disease. Therefore, it has been classified as a Variant of Uncertain Significance.

Ambry Genetics
Classification: Uncertain significance for Inborn genetic diseases. Last evaluated: 2025-05-23. Review status: criteria provided, single submitter. Criteria: Ambry Variant Classification Scheme 2023. Collection method: clinical testing. Allele origin: germline. Not counted in ClinVar's aggregate classification.
Comment: The p.P426T variant (also known as c.1276C>A), located in coding exon 8 of the RUNX1 gene, results from a C to A substitution at nucleotide position 1276. The proline at codon 426 is replaced by threonine, an amino acid with highly similar properties. This amino acid position is conserved. In addition, this alteration is predicted to be tolerated by in silico analysis. Based on the available evidence, the clinical significance of this variant remains unclear.

NM_001754.5(RUNX1):c.1276C>A (p.Pro426Thr)

Gene: RUNX1 (RUNX family transcription factor 1; minus strand). Cytogenetic location: 21q22.12.
Variant type: single nucleotide variant.
Coding change: c.1276C>A on transcript NM_001754.5 (MANE Select); coding-DNA position 1276, C replaced by A.
Protein change: p.Pro426Thr; replaces proline 426 with threonine.
Molecular consequence: missense variant.
Genome position (GRCh38, 1-based): chr21:34,792,302, G>T on the plus strand (C>A on the coding strand, the complement: RUNX1 is on the minus strand). VCF-style: chr21-34792302-G-T. GRCh37 (hg19) VCF-style: chr21-36164599-G-T.
Other names: NM_001754.5(RUNX1):c.1276C>A; p.Pro426Thr; c.1195C>A, p.Pro399Thr (NM_001001890.3); short protein forms P426T, P399T.
Identifiers: ClinVar variation 3948886 (VCV003948886.3).